The following is an entry in ClinVar:

NM_005633.4(SOS1):c.3949C>T (p.Pro1317Ser)

Gene: SOS1 (SOS Ras/Rac guanine nucleotide exchange factor 1; minus strand). Cytogenetic location: 2p22.1.
Variant type: single nucleotide variant.
Coding change: c.3949C>T on transcript NM_005633.4 (MANE Select); coding-DNA position 3949, C replaced by T.
Protein change: p.Pro1317Ser; replaces proline 1317 with serine.
Molecular consequence: missense variant.
Genome position (GRCh38, 1-based): chr2:38,985,877, G>A on the plus strand (C>T on the coding strand, the complement: SOS1 is on the minus strand). VCF-style: chr2-38985877-G-A. GRCh37 (hg19) VCF-style: chr2-39213018-G-A.
Other names: c.3928C>T, p.Pro1310Ser (NM_001382394.1); c.3904C>T, p.Pro1302Ser (NM_001382395.1); short protein forms P1302S, P1317S, P1310S.
Identifiers: ClinVar variation 1736402 (VCV001736402.2), dbSNP rs2124454114, ClinGen allele CA346361975.

ClinVar aggregate classification (germline): Uncertain significance (1 of 4 stars; one submission).

Conditions:
Cardiovascular phenotype. Identifiers: MedGen CN230736.

Submission:

Ambry Genetics
Classification: Uncertain significance for Cardiovascular phenotype. Last evaluated: 2021-10-11. Review status: criteria provided, single submitter. Criteria: Ambry Variant Classification Scheme 2023. Collection method: clinical testing. Allele origin: germline.
Comment: The p.P1317S variant (also known as c.3949C>T), located in coding exon 23 of the SOS1 gene, results from a C to T substitution at nucleotide position 3949. The proline at codon 1317 is replaced by serine, an amino acid with similar properties. This amino acid position is conserved. In addition, the in silico prediction for this alteration is inconclusive. Since supporting evidence is limited at this time, the clinical significance of this alteration remains unclear.